The following is an entry in ClinVar:

ClinVar aggregate classification (germline): Likely pathogenic (1 of 4 stars; one submission).

Conditions:
Martsolf syndrome 1. Identifiers: Orphanet 1387, MedGen C5542298, MONDO:8000008, OMIM 212720.
Warburg micro syndrome 2 (WARBM2). Also called: MICRO SYNDROME 2. Identifiers: Orphanet 2510, MedGen C3280214, MONDO:0013641, OMIM 614225.

Submission:

Juno Genomics, Hangzhou Juno Genomics, Inc
Classification: Likely pathogenic for Martsolf syndrome 1; Warburg micro syndrome 2. Review status: criteria provided, single submitter. Criteria: ACMG Guidelines, 2015. Collection method: clinical testing. Allele origin: germline.
Comment: Null variant in a gene where loss of function (LOF) is a known mechanism of disease.;Absent from controls (or at extremely low frequency if recessive) in Genome Aggregation Database.

NM_012414.4(RAB3GAP2):c.3213_3220delinsA (p.Tyr1071_Asp1074delinsTer)

Gene: RAB3GAP2 (RAB3 GTPase activating non-catalytic protein subunit 2; minus strand). Cytogenetic location: 1q41.
Variant type: Indel.
Coding change: c.3213_3220delinsA on transcript NM_012414.4 (MANE Select); coding-DNA positions 3213 to 3220, CTTAATGG replaced by A.
Protein change: p.Tyr1071_Asp1074delinsTer.
Molecular consequence: nonsense.
Genome position (GRCh38, 1-based): chr1:220,162,203-220,162,210, CCATTAAG replaced by T on the plus strand (CTTAATGG replaced by A on the coding strand, the reverse complement: RAB3GAP2 is on the minus strand). VCF-style: chr1-220162203-CCATTAAG-T. GRCh37 (hg19) VCF-style: chr1-220335545-CCATTAAG-T.
Identifiers: ClinVar variation 5006123 (VCV005006123.2).